The following is an entry in ClinVar:

ClinVar aggregate classification (germline): Uncertain significance. Review status: criteria provided, multiple submitters, no conflicts (2 of 4 stars). 2 submissions from 2 submitters: Uncertain significance (2). Last evaluated 2025-09-02.

Allele frequency attached by ClinVar (database versions not stated): TOPMed 0.00002; gnomAD 0.00002 and 0.00004; 1000 Genomes Project 0.00060; 1000 Genomes Project 30x 0.00047.
gnomAD v4.1: 12 of 1,614,178 alleles (0.00074%); highest among the groups gnomAD compares: East Asian, 0.025%; no homozygotes.

Submissions (2):

Labcorp Genetics (formerly Invitae), Labcorp
Classification: Uncertain significance. Last evaluated: 2025-09-02. Review status: criteria provided, single submitter. Criteria: Invitae Variant Classification Sherloc (09022015). Collection method: clinical testing. Allele origin: germline.
Comment: This sequence change replaces isoleucine, which is neutral and non-polar, with phenylalanine, which is neutral and non-polar, at codon 21 of the MYO6 protein (p.Ile21Phe). This variant is present in population databases (rs546375259, gnomAD 0.03%). This variant has not been reported in the literature in individuals affected with MYO6-related conditions. ClinVar contains an entry for this variant (Variation ID: 1213156). Invitae Evidence Modeling of protein sequence and biophysical properties (such as structural, functional, and spatial information, amino acid conservation, physicochemical variation, residue mobility, and thermodynamic stability) indicates that this missense variant is not expected to disrupt MYO6 protein function with a negative predictive value of 80%. In summary, the available evidence is currently insufficient to determine the role of this variant in disease. Therefore, it has been classified as a Variant of Uncertain Significance.

GeneDx
Classification: Uncertain significance. Last evaluated: 2021-02-25. Review status: criteria provided, single submitter. Criteria: GeneDx Variant Classification Process June 2021. Collection method: clinical testing. Allele origin: germline. Affected: yes.
Comment: In silico analysis, which includes protein predictors and evolutionary conservation, supports a deleterious effect; Has not been previously published as pathogenic or benign to our knowledge

NM_004999.4(MYO6):c.61A>T (p.Ile21Phe)

Gene: MYO6 (myosin VI; plus strand). Cytogenetic location: 6q14.1.
Variant type: single nucleotide variant.
Coding change: c.61A>T on transcript NM_004999.4 (MANE Select); coding-DNA position 61, A replaced by T.
Protein change: p.Ile21Phe; replaces isoleucine 21 with phenylalanine.
Molecular consequence: missense variant. On other transcripts: non-coding transcript variant (2).
Genome position (GRCh38, 1-based): chr6:75,817,608, A>T. VCF-style: chr6-75817608-A-T. GRCh37 (hg19) VCF-style: chr6-76527325-A-T.
Other names: c.61A>T, p.Ile21Phe (NM_001300899.2, NM_001368136.1, NM_001368137.1 and 5 more transcripts); short protein forms I21F.
Identifiers: ClinVar variation 1213156 (VCV001213156.5), dbSNP rs546375259, ClinGen allele CA3896709.